The following is an entry in ClinVar:

NM_002860.4(ALDH18A1):c.2098G>T (p.Val700Phe)

Gene: ALDH18A1 (aldehyde dehydrogenase 18 family member A1; minus strand). Cytogenetic location: 10q24.1.
Variant type: single nucleotide variant.
Coding change: c.2098G>T on transcript NM_002860.4 (MANE Select); coding-DNA position 2098, G replaced by T.
Protein change: p.Val700Phe; replaces valine 700 with phenylalanine.
Molecular consequence: missense variant.
Genome position (GRCh38, 1-based): chr10:95,611,268, C>A on the plus strand (G>T on the coding strand, the complement: ALDH18A1 is on the minus strand). VCF-style: chr10-95611268-C-A. GRCh37 (hg19) VCF-style: chr10-97371025-C-A.
Other names: c.2092G>T, p.Val698Phe (NM_001017423.2, NM_001323415.2); c.1765G>T, p.Val589Phe (NM_001323412.2, NM_001323416.2); c.2098G>T, p.Val700Phe (NM_001323413.2, NM_001323414.2); c.1993G>T, p.Val665Phe (NM_001323417.2); c.1759G>T, p.Val587Phe (NM_001323418.2); c.1462G>T, p.Val488Phe (NM_001323419.2); short protein forms V700F, V665F, V589F, V698F, V488F, V587F.
Identifiers: ClinVar variation 392416 (VCV000392416.7), dbSNP rs375705932, ClinGen allele CA16606121.

ClinVar aggregate classification (germline): Uncertain significance. Review status: criteria provided, multiple submitters, no conflicts (2 of 4 stars). 3 submissions from 3 submitters: Uncertain significance (3). Last evaluated 2025-06-20.

Conditions:
de Barsy syndrome. Also called: Cutis laxa-corneal clouding-oligophrenia syndrome. Identifiers: Orphanet 2962, MedGen C0268354, MONDO:0017569.
Autosomal dominant spastic paraplegia type 9. Identifiers: MedGen C1832669, MONDO:0015091.
Cutis laxa, autosomal dominant 3 (ADCL3). Identifiers: Orphanet 90348, MedGen C4225268, MONDO:0014706, OMIM 616603.

gnomAD v4.1: 8 of 1,614,018 alleles (0.0005%); highest among the groups gnomAD compares: Non-Finnish European, 0.00059%; no homozygotes.

Submissions (3):

GeneDx
Classification: Uncertain significance. Last evaluated: 2025-06-20. Review status: criteria provided, single submitter. Criteria: GeneDx Variant Classification Process June 2021. Collection method: clinical testing. Allele origin: germline. Affected: yes.
Comment: Has not been previously published as pathogenic or benign to our knowledge; Not observed at significant frequency in large population cohorts (gnomAD); In silico analysis supports that this missense variant has a deleterious effect on protein structure/function

Labcorp Genetics (formerly Invitae), Labcorp
Classification: Uncertain significance for Autosomal dominant spastic paraplegia type 9; de Barsy syndrome; Cutis laxa, autosomal dominant 3. Last evaluated: 2023-09-19. Review status: criteria provided, single submitter. Criteria: Invitae Variant Classification Sherloc (09022015). Collection method: clinical testing. Allele origin: germline.
Comment: Advanced modeling of protein sequence and biophysical properties (such as structural, functional, and spatial information, amino acid conservation, physicochemical variation, residue mobility, and thermodynamic stability) has been performed at Invitae for this missense variant, however the output from this modeling did not meet the statistical confidence thresholds required to predict the impact of this variant on ALDH18A1 protein function. This sequence change replaces valine, which is neutral and non-polar, with phenylalanine, which is neutral and non-polar, at codon 700 of the ALDH18A1 protein (p.Val700Phe). This variant is not present in population databases (gnomAD no frequency). This variant has not been reported in the literature in individuals affected with ALDH18A1-related conditions. ClinVar contains an entry for this variant (Variation ID: 392416). In summary, the available evidence is currently insufficient to determine the role of this variant in disease. Therefore, it has been classified as a Variant of Uncertain Significance.

Blueprint Genetics
Classification: Uncertain significance. Last evaluated: 2023-06-20. Review status: criteria provided, single submitter. Criteria: ACMG Guidelines, 2015. Collection method: clinical testing. Allele origin: germline.